The following is an entry in ClinVar:

NM_001844.5(COL2A1):c.2518-91C>T

Gene: COL2A1 (collagen type II alpha 1 chain; minus strand). Cytogenetic location: 12q13.11.
Variant type: single nucleotide variant.
Coding change: c.2518-91C>T on transcript NM_001844.5 (MANE Select); 91 bases into the intron before coding-DNA position 2518, C replaced by T.
Molecular consequence: intron variant.
Genome position (GRCh38, 1-based): chr12:47,980,752, G>A on the plus strand (C>T on the coding strand, the complement: COL2A1 is on the minus strand). VCF-style: chr12-47980752-G-A. GRCh37 (hg19) VCF-style: chr12-48374535-G-A.
Other names: c.2311-91C>T (NM_033150.3).
Identifiers: ClinVar variation 676709 (VCV000676709.1), dbSNP rs41263867, ClinGen allele CA236523302.

ClinVar aggregate classification (germline): Benign (1 of 4 stars; one submission).

Allele frequency attached by ClinVar (database versions not stated): gnomAD 0.01974 and 0.02110; 1000 Genomes Project 0.02157; TOPMed 0.02202; 1000 Genomes Project 30x 0.02327.
gnomAD v4.1: 5,492 of 1,418,304 alleles (0.39%); highest among the groups gnomAD compares: African/African-American, 6.7%; 206 homozygotes.

Submission:

GeneDx
Classification: Benign. Last evaluated: 2018-06-14. Review status: criteria provided, single submitter. Criteria: GeneDx Variant Classification (06012015). Collection method: clinical testing. Allele origin: germline. Affected: yes.
Comment: This variant is considered likely benign or benign based on one or more of the following criteria: it is a conservative change, it occurs at a poorly conserved position in the protein, it is predicted to be benign by multiple in silico algorithms, and/or has population frequency not consistent with disease.